The following is an entry in ClinVar:

NM_000535.7(PMS2):c.1630G>T (p.Asp544Tyr)

Gene: PMS2 (PMS1 homolog 2, mismatch repair system component; minus strand). Cytogenetic location: 7p22.1.
Variant type: single nucleotide variant.
Coding change: c.1630G>T on transcript NM_000535.7 (MANE Select); coding-DNA position 1630, G replaced by T.
Protein change: p.Asp544Tyr; replaces aspartic acid 544 with tyrosine.
Molecular consequence: missense variant. On other transcripts: non-coding transcript variant (1).
Genome position (GRCh38, 1-based): chr7:5,987,135, C>A on the plus strand (G>T on the coding strand, the complement: PMS2 is on the minus strand). VCF-style: chr7-5987135-C-A. GRCh37 (hg19) VCF-style: chr7-6026766-C-A.
Other names: c.1225G>T, p.Asp409Tyr (NM_001322003.2, NM_001322004.2, NM_001322005.2 and 1 more transcripts); c.1474G>T, p.Asp492Tyr (NM_001322006.2); c.1312G>T, p.Asp438Tyr (NM_001322007.2, NM_001322008.2); c.1069G>T, p.Asp357Tyr (NM_001322010.2); c.697G>T, p.Asp233Tyr (NM_001322011.2, NM_001322012.2); c.1057G>T, p.Asp353Tyr (NM_001322013.2); c.1630G>T, p.Asp544Tyr (NM_001322014.2); c.1321G>T, p.Asp441Tyr (NM_001322015.2); short protein forms D438Y, D353Y, D357Y, D409Y, D544Y, D233Y, D441Y, D492Y.
Identifiers: ClinVar variation 819712 (VCV000819712.14), dbSNP rs876660139, ClinGen allele CA366741446.

ClinVar aggregate classification (germline): Uncertain significance. Review status: criteria provided, multiple submitters, no conflicts (2 of 4 stars). 2 submissions from 2 submitters: Uncertain significance (2). Last evaluated 2024-10-10.

Conditions:
Hereditary nonpolyposis colorectal neoplasms. Identifiers: MedGen C0009405, MeSH D003123.
Hereditary cancer-predisposing syndrome. Also called: Neoplastic Syndromes, Hereditary; Tumor predisposition; Hereditary Cancer Syndrome; Hereditary neoplastic syndrome. Identifiers: Orphanet 140162, MedGen C0027672, MeSH D009386, MONDO:0015356.

Submissions (2):

Labcorp Genetics (formerly Invitae), Labcorp
Classification: Uncertain significance for Hereditary nonpolyposis colorectal neoplasms. Last evaluated: 2024-10-10. Review status: criteria provided, single submitter. Criteria: Invitae Variant Classification Sherloc (09022015). Collection method: clinical testing. Allele origin: germline.
Comment: This sequence change replaces aspartic acid, which is acidic and polar, with tyrosine, which is neutral and polar, at codon 544 of the PMS2 protein (p.Asp544Tyr). This variant is not present in population databases (gnomAD no frequency). This variant has not been reported in the literature in individuals affected with PMS2-related conditions. ClinVar contains an entry for this variant (Variation ID: 819712). Invitae Evidence Modeling of protein sequence and biophysical properties (such as structural, functional, and spatial information, amino acid conservation, physicochemical variation, residue mobility, and thermodynamic stability) indicates that this missense variant is not expected to disrupt PMS2 protein function with a negative predictive value of 80%. Algorithms developed to predict the effect of sequence changes on RNA splicing suggest that this variant may create or strengthen a splice site. In summary, the available evidence is currently insufficient to determine the role of this variant in disease. Therefore, it has been classified as a Variant of Uncertain Significance.

Ambry Genetics
Classification: Uncertain significance for Hereditary cancer-predisposing syndrome. Last evaluated: 2021-10-27. Review status: criteria provided, single submitter. Criteria: Ambry Variant Classification Scheme 2023. Collection method: clinical testing. Allele origin: germline.
Comment: The p.D544Y variant (also known as c.1630G>T), located in coding exon 11 of the PMS2 gene, results from a G to T substitution at nucleotide position 1630. The aspartic acid at codon 544 is replaced by tyrosine, an amino acid with highly dissimilar properties. This amino acid position is poorly conserved in available vertebrate species. In addition, this alteration is predicted to be tolerated by in silico analysis. Since supporting evidence is limited at this time, the clinical significance of this alteration remains unclear.